The following is an entry in ClinVar:

ClinVar aggregate classification (germline): Uncertain significance (1 of 4 stars; one submission).

Conditions:
Ulnar-mammary syndrome (UMS). Also called: PALLISTER ULNAR-MAMMARY SYNDROME; Ulnar-mammary syndrome of Pallister; SCHINZEL SYNDROME. Identifiers: Orphanet 3138, MedGen C1866994, MONDO:0008411, OMIM 181450.

Allele frequency attached by ClinVar (database versions not stated): gnomAD exomes 0.00001.
gnomAD v4.1: 3 of 1,539,788 alleles (0.00019%); highest among the groups gnomAD compares: East Asian, 0.0025%; no homozygotes.

Submission:

Labcorp Genetics (formerly Invitae), Labcorp
Classification: Uncertain significance for Ulnar-mammary syndrome. Last evaluated: 2024-10-22. Review status: criteria provided, single submitter. Criteria: Invitae Variant Classification Sherloc (09022015). Collection method: clinical testing. Allele origin: germline.
Comment: This sequence change replaces alanine, which is neutral and non-polar, with threonine, which is neutral and polar, at codon 468 of the TBX3 protein (p.Ala468Thr). This variant is not present in population databases (gnomAD no frequency). This variant has not been reported in the literature in individuals affected with TBX3-related conditions. ClinVar contains an entry for this variant (Variation ID: 1960791). An algorithm developed to predict the effect of missense changes on protein structure and function (PolyPhen-2) suggests that this variant is likely to be tolerated. In summary, the available evidence is currently insufficient to determine the role of this variant in disease. Therefore, it has been classified as a Variant of Uncertain Significance.

NM_005996.4(TBX3):c.1402G>A (p.Ala468Thr)

Gene: TBX3 (T-box transcription factor 3; minus strand). Cytogenetic location: 12q24.21.
Variant type: single nucleotide variant.
Coding change: c.1402G>A on transcript NM_005996.4 (MANE Select); coding-DNA position 1402, G replaced by A.
Protein change: p.Ala468Thr; replaces alanine 468 with threonine.
Molecular consequence: missense variant.
Genome position (GRCh38, 1-based): chr12:114,674,473, C>T on the plus strand (G>A on the coding strand, the complement: TBX3 is on the minus strand). VCF-style: chr12-114674473-C-T. GRCh37 (hg19) VCF-style: chr12-115112278-C-T.
Other names: c.1462G>A, p.Ala488Thr (NM_016569.4); short protein forms A468T, A488T.
Identifiers: ClinVar variation 1960791 (VCV001960791.5), dbSNP rs1428684030, ClinGen allele CA386869010.